The following is an entry in ClinVar:

ClinVar aggregate classification (germline): Pathogenic (1 of 4 stars; one submission).

Conditions:
Fanconi anemia (FA). Also called: Fanconi's anemia. Identifiers: Orphanet 84, MedGen C0015625, MeSH D005199, MONDO:0019391.

Submission:

Labcorp Genetics (formerly Invitae), Labcorp
Classification: Pathogenic for Fanconi anemia. Last evaluated: 2022-11-24. Review status: criteria provided, single submitter. Criteria: Invitae Variant Classification Sherloc (09022015). Collection method: clinical testing. Allele origin: germline.
Comment: For these reasons, this variant has been classified as Pathogenic. This variant has not been reported in the literature in individuals affected with FANCA-related conditions. This variant is not present in population databases (gnomAD no frequency). This sequence change creates a premature translational stop signal (p.Asp539Glyfs*4) in the FANCA gene. It is expected to result in an absent or disrupted protein product. Loss-of-function variants in FANCA are known to be pathogenic (PMID: 19367192).

Literature cited by the submitters: PubMed 19367192.

NM_000135.4(FANCA):c.1615dup (p.Asp539fs)

Gene: FANCA (FA complementation group A; minus strand). Cytogenetic location: 16q24.3.
Variant type: Duplication.
Coding change: c.1615dup on transcript NM_000135.4 (MANE Select); coding-DNA position 1615, one base duplicated (G; older notation c.1615dupG).
Protein change: p.Asp539fs; shifts the reading frame from aspartic acid 539.
Molecular consequence: frameshift variant.
Genome position (GRCh38, 1-based): chr16:89,782,870, C duplicated on the plus strand (G on the coding strand, the reverse complement: FANCA is on the minus strand); the first of 4 consecutive C bases (chr16:89,782,870-89,782,873); duplicating any one gives the same sequence. VCF-style (leftmost placement, unchanged base first): chr16-89782869-T-TC. GRCh37 (hg19) VCF-style: chr16-89849277-T-TC.
Other names: c.1615dup, p.Asp539fs (NM_001286167.3); short protein forms D539fs.
Identifiers: ClinVar variation 2816250 (VCV002816250.3), dbSNP rs778507965, ClinGen allele CA2739266969.